The following is an entry in ClinVar:

ClinVar aggregate classification (germline): Likely benign. Review status: criteria provided, multiple submitters, no conflicts (2 of 4 stars). 2 submissions from 2 submitters: Likely benign (2). Last evaluated 2024-01-16.

Conditions:
Malignant hyperthermia, susceptibility to, 1 (MHS1). Also called: Malignant hyperthermia suceptibility 1; Anesthesia related hyperthermia; Malignant hyperpyrexia; Fulminating hyperpyrexia; Pharmacogenic myopathy; RYR1-Related Malignant Hyperthermia Susceptibility. Identifiers: Orphanet 423, MedGen C2930980, MONDO:0007783, OMIM 145600.
RYR1-related disorder. Also called: RYR1-related disorders; RYR1-related condition. Identifiers: MedGen CN239331.

Allele frequency attached by ClinVar (database versions not stated): gnomAD exomes 0.00001.
gnomAD v4.1: 9 of 1,614,200 alleles (0.00056%); highest among the groups gnomAD compares: Non-Finnish European, 0.00076%; no homozygotes.

Submissions (2):

Labcorp Genetics (formerly Invitae), Labcorp
Classification: Likely benign for RYR1-related disorder. Last evaluated: 2024-01-16. Review status: criteria provided, single submitter. Criteria: Invitae Variant Classification Sherloc (09022015). Collection method: clinical testing. Allele origin: germline.

All of Us Research Program, National Institutes of Health
Classification: Likely benign for Malignant hyperthermia, susceptibility to, 1. Last evaluated: 2023-12-13. Review status: criteria provided, single submitter. Criteria: ACMG Guidelines, 2015. Collection method: clinical testing. Allele origin: germline. Inheritance: Autosomal dominant inheritance. Observed: 1 variant allele, 1 heterozygote.
Comment: This study involves interpretation of variants in research participants for the purpose of population health screening. Participant phenotype was not available at the time of variant classification. Additional details can be found in publication PMID: 35346344, PMCID: PMC8962531

NM_000540.3(RYR1):c.7017C>T (p.Val2339=)

Gene: RYR1 (ryanodine receptor 1; plus strand). Cytogenetic location: 19q13.2.
Variant type: single nucleotide variant.
Coding change: c.7017C>T on transcript NM_000540.3 (MANE Select); coding-DNA position 7017, C replaced by T.
Protein change: p.Val2339=; no amino-acid change (valine 2339 retained).
Molecular consequence: synonymous variant.
Genome position (GRCh38, 1-based): chr19:38,499,233, C>T. VCF-style: chr19-38499233-C-T. GRCh37 (hg19) VCF-style: chr19-38989873-C-T.
Other names: c.7017C>T, p.Val2339= (NM_001042723.2).
Identifiers: ClinVar variation 2918766 (VCV002918766.4), dbSNP rs2145598277, ClinGen allele CA507243261.
Genomic context (GRCh38, chr19:38,499,233, plus strand): 5'-AGACATTGGCTGGAACCCCTGTGGTGGAGAGCGCTACCTGGACTTCCTGCGCTTTGCTGT[C>T]TTCGTCAACGGTGAGGAGGGGGTGGCAGTGGCAGAGCGGGAAGTATGGAGTCACTGGTCA-3'
Protein context (NP_000531.2, residues 2329-2349): ERYLDFLRFA[Val2339=]FVNGESVEEN